The following is an entry in ClinVar:

NM_000218.3(KCNQ1):c.934_941dup (p.Tyr315fs)

Gene: KCNQ1 (potassium voltage-gated channel subfamily Q member 1; plus strand). Cytogenetic location: 11p15.5.
Variant type: Duplication.
Coding change: c.934_941dup on transcript NM_000218.3 (MANE Select); coding-DNA positions 934 to 941, 8 bases duplicated (ACCATCGG; older notation c.934_941dupACCATCGG).
Protein change: p.Tyr315fs; shifts the reading frame from tyrosine 315.
Molecular consequence: frameshift variant.
Genome position (GRCh38, 1-based): chr11:2,583,447-2,583,454, ACCATCGG duplicated. VCF-style (leftmost placement, unchanged base first): chr11-2583446-C-CACCATCGG. GRCh37 (hg19) VCF-style: chr11-2604676-C-CACCATCGG.
Other names: c.934_941dup, p.Tyr315Profs (NM_001406836.1); c.664_671dup, p.Tyr225Profs (NM_001406837.1); c.490_497dup, p.Tyr167Profs (NM_001406838.1); c.553_560dup, p.Tyr188Profs (NM_181798.2); short protein forms Y188fs, Y315fs.
Identifiers: ClinVar variation 1416082 (VCV001416082.8), dbSNP rs2133750610, ClinGen allele CA2573146065.

ClinVar aggregate classification (germline): Pathogenic (1 of 4 stars; one submission).

Conditions:
Long QT syndrome (LQTS). Identifiers: MedGen C0023976, MeSH D008133, MONDO:0002442. Disease mechanism: loss of function. Inheritance: Various modes of inheritance.

Submission:

Labcorp Genetics (formerly Invitae), Labcorp
Classification: Pathogenic for Long QT syndrome. Last evaluated: 2020-12-27. Review status: criteria provided, single submitter. Criteria: Invitae Variant Classification Sherloc (09022015). Collection method: clinical testing. Allele origin: germline.
Comment: For these reasons, this variant has been classified as Pathogenic. This variant has not been reported in the literature in individuals with KCNQ1-related conditions. This variant is not present in population databases (ExAC no frequency). This sequence change creates a premature translational stop signal (p.Tyr315Profs*42) in the KCNQ1 gene. It is expected to result in an absent or disrupted protein product. Loss-of-function variants in KCNQ1 are known to be pathogenic (PMID: 9323054, 19862833).

Literature cited by the submitters: PubMed 9323054; PubMed 19862833.